The following is an entry in ClinVar:

NM_000089.4(COL1A2):c.1186C>G (p.Pro396Ala)

Gene: COL1A2 (collagen type I alpha 2 chain; plus strand). Cytogenetic location: 7q21.3.
Variant type: single nucleotide variant.
Coding change: c.1186C>G on transcript NM_000089.4 (MANE Select); coding-DNA position 1186, C replaced by G.
Protein change: p.Pro396Ala; replaces proline 396 with alanine.
Molecular consequence: missense variant.
Genome position (GRCh38, 1-based): chr7:94,410,516, C>G. VCF-style: chr7-94410516-C-G. GRCh37 (hg19) VCF-style: chr7-94039828-C-G.
Other names: short protein forms P396A.
Identifiers: ClinVar variation 3752603 (VCV003752603.2).
Genomic context (GRCh38, chr7:94,410,516, plus strand): 5'-GGTGAAGAAGGAAAGAGAGGCCCTAATGGGGAAGCTGGATCTGCCGGCCCTCCAGGACCT[C>G]CTGGGCTGAGAGTAGGTTTCAAATGCTCCCAACACCCTAACACACCAGAGGCAGATTATG-3'
Protein context (NP_000080.2, residues 386-406): EAGSAGPPGP[Pro396Ala]GLRGSPGSRG

ClinVar aggregate classification (germline): Uncertain significance (1 of 4 stars; one submission).

Conditions:
Ehlers-Danlos syndrome, classic type, 1 (EDSCL1). Also called: EHLERS-DANLOS SYNDROME, GRAVIS TYPE; EHLERS-DANLOS SYNDROME, SEVERE CLASSIC TYPE; Ehlers-Danlos syndrome, type 1; Ehlers-Danlos Syndrome, Classic Type, COL5A1-Related; EDS I. Identifiers: MedGen C0268335, MONDO:0019567, OMIM 130000.
Osteogenesis imperfecta type I (OI1). Also called: OI, TYPE I; OSTEOGENESIS IMPERFECTA TARDA; OSTEOGENESIS IMPERFECTA WITH BLUE SCLERAE; Osteogenesis imperfecta type 1; Lobstein's Disease; Lobstein disease. Identifiers: Orphanet 216796, Orphanet 666, MedGen C0023931, MONDO:0008146, OMIM 166200. Disease mechanism: loss of function.

Submission:

Labcorp Genetics (formerly Invitae), Labcorp
Classification: Uncertain significance for Osteogenesis imperfecta type I; Ehlers-Danlos syndrome, classic type, 1. Last evaluated: 2024-06-28. Review status: criteria provided, single submitter. Criteria: Invitae Variant Classification Sherloc (09022015). Collection method: clinical testing. Allele origin: germline.
Comment: This sequence change replaces proline, which is neutral and non-polar, with alanine, which is neutral and non-polar, at codon 396 of the COL1A2 protein (p.Pro396Ala). This variant is not present in population databases (gnomAD no frequency). This variant has not been reported in the literature in individuals affected with COL1A2-related conditions. Advanced modeling of protein sequence and biophysical properties (such as structural, functional, and spatial information, amino acid conservation, physicochemical variation, residue mobility, and thermodynamic stability) performed at Invitae indicates that this missense variant is not expected to disrupt COL1A2 protein function with a negative predictive value of 95%. In summary, the available evidence is currently insufficient to determine the role of this variant in disease. Therefore, it has been classified as a Variant of Uncertain Significance.